The following is an entry in ClinVar:

ClinVar aggregate classification (germline): Uncertain significance (1 of 4 stars; one submission).

Allele frequency attached by ClinVar (database versions not stated): TOPMed below 0.00001; ExAC 0.00001; gnomAD 0.00003.
gnomAD v4.1: 20 of 1,614,126 alleles (0.0012%); highest among the groups gnomAD compares: Middle Eastern, 0.016%; no homozygotes.

Submission:

Ambry Genetics
Classification: Uncertain significance. Last evaluated: 2023-12-26. Review status: criteria provided, single submitter. Criteria: Ambry Variant Classification Scheme 2023. Collection method: clinical testing. Allele origin: germline.
Comment: The p.P781S variant (also known as c.2341C>T), located in coding exon 4 of the ALPK2 gene, results from a C to T substitution at nucleotide position 2341. The proline at codon 781 is replaced by serine, an amino acid with similar properties. This amino acid position is conserved. In addition, this alteration is predicted to be tolerated by in silico analysis. Since supporting evidence is limited at this time, the clinical significance of this alteration remains unclear.

NM_052947.4(ALPK2):c.2341C>T (p.Pro781Ser)

Gene: ALPK2 (alpha kinase 2; minus strand). Cytogenetic location: 18q21.31.
Variant type: single nucleotide variant.
Coding change: c.2341C>T on transcript NM_052947.4 (MANE Select); coding-DNA position 2341, C replaced by T.
Protein change: p.Pro781Ser; replaces proline 781 with serine.
Molecular consequence: missense variant.
Genome position (GRCh38, 1-based): chr18:58,537,846, G>A on the plus strand (C>T on the coding strand, the complement: ALPK2 is on the minus strand). VCF-style: chr18-58537846-G-A. GRCh37 (hg19) VCF-style: chr18-56205078-G-A.
Other names: short protein forms P781S.
Identifiers: ClinVar variation 1789870 (VCV001789870.2), dbSNP rs759808357, ClinGen allele CA8977091.